The following is an entry in ClinVar:

ClinVar aggregate classification (germline): Uncertain significance (1 of 4 stars; one submission).

Conditions:
Intellectual developmental disorder, autosomal recessive 74 (MRT74). Also called: Sotos syndrome 3. Identifiers: MedGen C4310684, MONDO:0014951, OMIM 617169.
Cortical dysplasia, complex, with other brain malformations 10. Identifiers: MedGen C5231458, MONDO:0032866, OMIM 618677.

Submission:

Laboratorio de Genetica e Diagnostico Molecular, Hospital Israelita Albert Einstein
Classification: Uncertain significance for Intellectual developmental disorder, autosomal recessive 74; Cortical dysplasia, complex, with other brain malformations 10. Last evaluated: 2021-10-06. Review status: criteria provided, single submitter. Criteria: ACMG Guidelines, 2015. Collection method: clinical testing. Allele origin: germline. Affected: yes.
Comment: ACMG classification criteria: PM2 moderate, PP3 supporting

NM_005883.3(APC2):c.2595C>A (p.His865Gln)

Gene: APC2 (APC regulator of WNT signaling pathway 2; plus strand). Cytogenetic location: 19p13.3.
Variant type: single nucleotide variant.
Coding change: c.2595C>A on transcript NM_005883.3 (MANE Select); coding-DNA position 2595, C replaced by A.
Protein change: p.His865Gln; replaces histidine 865 with glutamine.
Molecular consequence: missense variant.
Genome position (GRCh38, 1-based): chr19:1,465,896, C>A. VCF-style: chr19-1465896-C-A. GRCh37 (hg19) VCF-style: chr19-1465895-C-A.
Other names: c.2592C>A, p.His864Gln (NM_001351273.1); short protein forms H864Q, H865Q.
Identifiers: ClinVar variation 1683633 (VCV001683633.2), dbSNP rs2145233148, ClinGen allele CA403027125.